The following is an entry in ClinVar:

NM_001267550.2(TTN):c.13357_13358del (p.Glu4453fs)

Gene: TTN (titin; minus strand). Cytogenetic location: 2q31.2.
Variant type: Deletion.
Coding change: c.13357_13358del on transcript NM_001267550.2 (MANE Select); coding-DNA positions 13357 to 13358, 2 bases deleted (GA; older notation c.13357_13358delGA).
Protein change: p.Glu4453fs; shifts the reading frame from glutamic acid 4453.
Molecular consequence: frameshift variant. On other transcripts: intron variant (1).
Genome position (GRCh38, 1-based): chr2:178,739,875-178,739,876, TC deleted on the plus strand (GA on the coding strand, the reverse complement: TTN is on the minus strand); deleting any 2 consecutive bases within chr2:178,739,875-178,739,877 gives the same sequence; the c. name uses the placement nearest the transcript's 3' end. VCF-style (leftmost placement, unchanged base first): chr2-178739874-TTC-T. GRCh37 (hg19) VCF-style: chr2-179604601-TTC-T.
Other names: c.12406_12407del, p.Glu4136fs (NM_001256850.1); c.12268_12269del, p.Glu4090fs (NM_003319.4); c.12643_12644del, p.Glu4215fs (NM_133432.3); c.12844_12845del, p.Glu4282fs (NM_133437.4); c.10361-1516_10361-1515del (NM_133378.4); short protein forms E4090fs, E4136fs, E4215fs, E4282fs, E4453fs.
Identifiers: ClinVar variation 3076049 (VCV003076049.1), dbSNP rs2530627884, ClinGen allele CA2586970874.

ClinVar aggregate classification (germline): Likely pathogenic (1 of 4 stars; one submission).

Conditions:
Primary dilated cardiomyopathy (DCM). Also called: Dilated Cardiomyopathy. Identifiers: Orphanet 217604, MedGen C0007193, MeSH D002311, MONDO:0005021, HP:0001644. Inheritance: Various modes of inheritance.

Submission:

Laboratory for Molecular Medicine, Mass General Brigham Personalized Medicine
Classification: Likely pathogenic for Primary dilated cardiomyopathy. Last evaluated: 2018-07-25. Review status: criteria provided, single submitter. Criteria: ACMG Guidelines, 2015. Collection method: clinical testing. Allele origin: germline. Inheritance: Autosomal dominant inheritance.
Comment: The p.Glu4215fs variant in TTN has not been previously reported in individuals with DCM and was absent from large population studies, though the ability of these studies to accurately detect indels may be limited. This variant is predicted to cause a frameshift, which alters the protein’s amino acid sequence beginning at position 4215 and leads to a premature termination codon 7 amino acids downstream. This alteration is then predicted to lead to a truncated or absent protein. Frameshift and other truncating variants in TTN are strongly associated with DCM if they impact the exons encoding for the A-band (Herman 2012, Pugh 2014) and/or are located in an exon that is highly expressed in the heart (Roberts 2015). The p.Glu4215fs variant is located in the highly expressed exon 46 in the I band. In summary, although additional studies are required to fully establish its clinical significance, the p.Glu4215fs variant is likely pathogenic. ACMG/AMP Criteria applied: PVS1_Strong; PM2.